The following is an entry in ClinVar:

ClinVar aggregate classification (germline): Uncertain significance (1 of 4 stars; one submission).

Submission:

Labcorp Genetics (formerly Invitae), Labcorp
Classification: Uncertain significance. Last evaluated: 2022-02-01. Review status: criteria provided, single submitter. Criteria: Invitae Variant Classification Sherloc (09022015). Collection method: clinical testing. Allele origin: germline.
Comment: This sequence change replaces glutamic acid, which is acidic and polar, with glycine, which is neutral and non-polar, at codon 82 of the CTNNA1 protein (p.Glu82Gly). This variant is not present in population databases (gnomAD no frequency). This variant has not been reported in the literature in individuals affected with CTNNA1-related conditions. Algorithms developed to predict the effect of missense changes on protein structure and function are either unavailable or do not agree on the potential impact of this missense change (SIFT: "Deleterious"; PolyPhen-2: "Benign"; Align-GVGD: "Class C0"). In summary, the available evidence is currently insufficient to determine the role of this variant in disease. Therefore, it has been classified as a Variant of Uncertain Significance.

NM_001903.5(CTNNA1):c.245A>G (p.Glu82Gly)

Gene: CTNNA1 (catenin alpha 1; plus strand). Cytogenetic location: 5q31.2.
Variant type: single nucleotide variant.
Coding change: c.245A>G on transcript NM_001903.5 (MANE Select); coding-DNA position 245, A replaced by G.
Protein change: p.Glu82Gly; replaces glutamic acid 82 with glycine.
Molecular consequence: missense variant. On other transcripts: intron variant (2).
Genome position (GRCh38, 1-based): chr5:138,783,316, A>G. VCF-style: chr5-138783316-A-G. GRCh37 (hg19) VCF-style: chr5-138119005-A-G.
Other names: c.245A>G, p.Glu82Gly (NM_001290307.3, NM_001323982.2, NM_001323983.1 and 3 more transcripts); c.-6+44A>G (NM_001290310.3); c.-9+1287A>G (NM_001290309.3); short protein forms E82G.
Identifiers: ClinVar variation 2091295 (VCV002091295.4), dbSNP rs2532179169, ClinGen allele CA361477590.